The following is an entry in ClinVar:

NM_000393.5(COL5A2):c.118G>A (p.Ala40Thr)

Gene: COL5A2 (collagen type V alpha 2 chain; minus strand). Cytogenetic location: 2q32.2.
Variant type: single nucleotide variant.
Coding change: c.118G>A on transcript NM_000393.5 (MANE Select); coding-DNA position 118, G replaced by A.
Protein change: p.Ala40Thr; replaces alanine 40 with threonine.
Molecular consequence: missense variant.
Genome position (GRCh38, 1-based): chr2:189,110,429, C>T on the plus strand (G>A on the coding strand, the complement: COL5A2 is on the minus strand). VCF-style: chr2-189110429-C-T. GRCh37 (hg19) VCF-style: chr2-189975155-C-T.
Other names: short protein forms A40T.
Identifiers: ClinVar variation 581139 (VCV000581139.10), dbSNP rs1559108874, ClinGen allele CA349868837.
Genomic context (GRCh38, chr2:189,110,429, plus strand): 5'-GACAAGGGGCAGGTTTCCAAATGTCCCTGTTTAAGTACATCTGGCCATTCTGAGTGCAGG[C>T]TATTTCTTCACCATATCCTTCTAAAATAAGAAAAGAAAGAAGAGGTTAGTAATCTGAAAT-3'
Protein context (NP_000384.2, residues 30-50): DEDEGYGEEI[Ala40Thr]CTQNGQMYLN

ClinVar aggregate classification (germline): Uncertain significance (1 of 4 stars; one submission).

Conditions:
Ehlers-Danlos syndrome, classic type, 1 (EDSCL1). Also called: Ehlers-Danlos Syndrome, Classic Type, COL5A1-Related; EDS I; Ehlers-Danlos syndrome, type 1; EHLERS-DANLOS SYNDROME, GRAVIS TYPE; EHLERS-DANLOS SYNDROME, SEVERE CLASSIC TYPE. Identifiers: MedGen C0268335, MONDO:0019567, OMIM 130000.

Allele frequency attached by ClinVar (database versions not stated): gnomAD exomes 0.00001 and below 0.00001.
gnomAD v4.1: 4 of 1,613,720 alleles (0.00025%); highest among the groups gnomAD compares: South Asian, 0.0044%; 1 homozygote.

Submission:

Labcorp Genetics (formerly Invitae), Labcorp
Classification: Uncertain significance for Ehlers-Danlos syndrome, classic type, 1. Last evaluated: 2018-05-03. Review status: criteria provided, single submitter. Criteria: Invitae Variant Classification Sherloc (09022015). Collection method: clinical testing. Allele origin: germline.
Comment: In summary, the available evidence is currently insufficient to determine the role of this variant in disease. Therefore, it has been classified as a Variant of Uncertain Significance. This sequence change replaces alanine with threonine at codon 40 of the COL5A2 protein (p.Ala40Thr). The alanine residue is highly conserved and there is a small physicochemical difference between alanine and threonine. This variant is not present in population databases (ExAC no frequency). This variant has not been reported in the literature in individuals with COL5A2-related disease. Algorithms developed to predict the effect of missense changes on protein structure and function output the following: SIFT: "Deleterious"; PolyPhen-2: "Benign"; Align-GVGD: "Class C55". The threonine amino acid residue is found in multiple mammalian species, suggesting that this missense change does not adversely affect protein function. These predictions have not been confirmed by published functional studies and their clinical significance is uncertain.